The following is an entry in ClinVar:

NM_005908.4(MANBA):c.1945G>T (p.Gly649Trp)

Gene: MANBA (mannosidase beta; minus strand). Cytogenetic location: 4q24.
Variant type: single nucleotide variant.
Coding change: c.1945G>T on transcript NM_005908.4 (MANE Select); coding-DNA position 1945, G replaced by T.
Protein change: p.Gly649Trp; replaces glycine 649 with tryptophan.
Molecular consequence: missense variant.
Genome position (GRCh38, 1-based): chr4:102,639,782, C>A on the plus strand (G>T on the coding strand, the complement: MANBA is on the minus strand). VCF-style: chr4-102639782-C-A. GRCh37 (hg19) VCF-style: chr4-103560939-C-A.
Other names: short protein forms G649W.
Identifiers: ClinVar variation 999306 (VCV000999306.2), dbSNP rs1729796963, ClinGen allele CA357757583.

ClinVar aggregate classification (germline): Uncertain significance (1 of 4 stars; one submission).

Conditions:
Beta-D-mannosidosis (MANSB). Also called: MANNOSIDOSIS, BETA A, LYSOSOMAL; BETA-MANNOSIDASE DEFICIENCY; LYSOSOMAL BETA-MANNOSIDASE DEFICIENCY; Beta-Mannosidosis. Identifiers: Orphanet 118, MedGen C4048196, MONDO:0009562, OMIM 248510.

Submission:

Labcorp Genetics (formerly Invitae), Labcorp
Classification: Uncertain significance for Beta-D-mannosidosis. Last evaluated: 2021-09-01. Review status: criteria provided, single submitter. Criteria: Invitae Variant Classification Sherloc (09022015). Collection method: clinical testing. Allele origin: germline.
Comment: This sequence change replaces glycine with tryptophan at codon 649 of the MANBA protein (p.Gly649Trp). The glycine residue is highly conserved and there is a large physicochemical difference between glycine and tryptophan. This variant is not present in population databases (ExAC no frequency). This variant has not been reported in the literature in individuals affected with MANBA-related conditions. Algorithms developed to predict the effect of missense changes on protein structure and function are either unavailable or do not agree on the potential impact of this missense change (SIFT: "Deleterious"; PolyPhen-2: "Probably Damaging"; Align-GVGD: "Class C0"). In summary, the available evidence is currently insufficient to determine the role of this variant in disease. Therefore, it has been classified as a Variant of Uncertain Significance.